The following is an entry in ClinVar:

ClinVar aggregate classification (germline): Uncertain significance (1 of 4 stars; one submission).

Conditions:
Intellectual developmental disorder with dysmorphic facies and behavioral abnormalities. Identifiers: MedGen C4748135, MONDO:0060760, OMIM 618089.

Submission:

Juno Genomics, Hangzhou Juno Genomics, Inc
Classification: Uncertain significance for Intellectual developmental disorder with dysmorphic facies and behavioral abnormalities. Review status: criteria provided, single submitter. Criteria: ACMG Guidelines, 2015. Collection method: clinical testing. Allele origin: germline.
Comment: Absent from controls (or at extremely low frequency if recessive) in Genome Aggregation Database.;Missense variant in a gene that has a low rate of benign missense variation.

NM_001190274.2(FBXO11):c.1565C>A (p.Ala522Glu)

Gene: FBXO11 (F-box protein 11; minus strand). Cytogenetic location: 2p16.3.
Variant type: single nucleotide variant.
Coding change: c.1565C>A on transcript NM_001190274.2 (MANE Select); coding-DNA position 1565, C replaced by A.
Protein change: p.Ala522Glu; replaces alanine 522 with glutamic acid.
Molecular consequence: missense variant.
Genome position (GRCh38, 1-based): chr2:47,823,194, G>T on the plus strand (C>A on the coding strand, the complement: FBXO11 is on the minus strand). VCF-style: chr2-47823194-G-T. GRCh37 (hg19) VCF-style: chr2-48050333-G-T.
Other names: c.1313C>A, p.Ala438Glu (NM_001374325.1, NM_025133.4); short protein forms A438E, A522E.
Identifiers: ClinVar variation 5019233 (VCV005019233.2).